The following is an entry in ClinVar:

NM_020338.4(ZMIZ1):c.1068G>A (p.Thr356=)

Gene: ZMIZ1 (zinc finger MIZ-type containing 1; plus strand). Cytogenetic location: 10q22.3.
Variant type: single nucleotide variant.
Coding change: c.1068G>A on transcript NM_020338.4 (MANE Select); coding-DNA position 1068, G replaced by A.
Protein change: p.Thr356=; no amino-acid change (threonine 356 retained).
Molecular consequence: synonymous variant.
Genome position (GRCh38, 1-based): chr10:79,293,491, G>A. VCF-style: chr10-79293491-G-A. GRCh37 (hg19) VCF-style: chr10-81053248-G-A.
Identifiers: ClinVar variation 1711260 (VCV001711260.35), dbSNP rs146995829, ClinGen allele CA5572528.

ClinVar aggregate classification (germline): Benign. Review status: criteria provided, multiple submitters, no conflicts (2 of 4 stars). 2 submissions from 2 submitters: Benign (2). Last evaluated 2026-09-01.

Allele frequency attached by ClinVar (database versions not stated): 1000 Genomes Project 0.00519; 1000 Genomes Project 30x 0.00531; TOPMed 0.00641; ESP Exome Variant Server 0.00749; gnomAD 0.00815; ExAC 0.01067.
gnomAD v4.1: 16,837 of 1,583,880 alleles (1.1%); highest among the groups gnomAD compares: Non-Finnish European, 1.2%; 111 homozygotes.

Submissions (2):

CeGaT Center for Human Genetics Tuebingen
Classification: Benign. Last evaluated: 2026-09-01. Review status: criteria provided, single submitter. Criteria: CeGaT Center For Human Genetics Tuebingen Variant Classification Criteria Version 2. Collection method: clinical testing. Allele origin: germline. Affected: yes. Observed: 34 variant alleles.
Comment: ZMIZ1: BP4, BP7, BS1, BS2

Labcorp Genetics (formerly Invitae), Labcorp
Classification: Benign. Last evaluated: 2026-01-28. Review status: criteria provided, single submitter. Criteria: Invitae Variant Classification Sherloc (09022015). Collection method: clinical testing. Allele origin: germline.